The following is an entry in ClinVar:

NM_001363118.2(SLC52A2):c.627T>C (p.Ala209=)

Gene: SLC52A2 (solute carrier family 52 member 2; plus strand). Cytogenetic location: 8q24.3.
Variant type: single nucleotide variant.
Coding change: c.627T>C on transcript NM_001363118.2 (MANE Select); coding-DNA position 627, T replaced by C.
Protein change: p.Ala209=; no amino-acid change (alanine 209 retained).
Molecular consequence: synonymous variant. On other transcripts: non-coding transcript variant (1).
Genome position (GRCh38, 1-based): chr8:144,360,119, T>C. VCF-style: chr8-144360119-T-C. GRCh37 (hg19) VCF-style: chr8-145583779-T-C.
Other names: c.627T>C, p.Ala209= (NM_001253815.2, NM_001253816.2, NM_001363120.2 and 2 more transcripts); c.135T>C, p.Ala45= (NM_001363122.2).
Identifiers: ClinVar variation 506688 (VCV000506688.10), dbSNP rs782019841, ClinGen allele CA4938246.

ClinVar aggregate classification (germline): Likely benign. Review status: criteria provided, multiple submitters, no conflicts (2 of 4 stars). 3 submissions from 3 submitters: Likely benign (3). Last evaluated 2026-01-25.

Conditions:
Inborn genetic diseases. Identifiers: MedGen C0950123, MeSH D030342.
Brown-Vialetto-van Laere syndrome 2. Also called: Riboflavin transporter deficiency type 2; SPINOCEREBELLAR ATAXIA WITH BLINDNESS AND DEAFNESS 2. Identifiers: Orphanet 572543, Orphanet 97229, MedGen C3553538, MONDO:0013867, OMIM 614707.

Allele frequency attached by ClinVar (database versions not stated): TOPMed 0.00002; gnomAD 0.00004.
gnomAD v4.1: 74 of 1,612,876 alleles (0.0046%); highest among the groups gnomAD compares: Non-Finnish European, 0.0058%; no homozygotes.

Submissions (3):

Labcorp Genetics (formerly Invitae), Labcorp
Classification: Likely benign for Brown-Vialetto-van Laere syndrome 2. Last evaluated: 2026-01-25. Review status: criteria provided, single submitter. Criteria: Invitae Variant Classification Sherloc (09022015). Collection method: clinical testing. Allele origin: germline.

Ambry Genetics
Classification: Likely benign for Inborn genetic diseases. Last evaluated: 2019-07-11. Review status: criteria provided, single submitter. Criteria: Ambry Variant Classification Scheme 2023. Collection method: clinical testing. Allele origin: germline.

GeneDx
Classification: Likely benign. Last evaluated: 2017-03-30. Review status: criteria provided, single submitter. Criteria: GeneDx Variant Classification (06012015). Collection method: clinical testing. Allele origin: germline. Affected: yes.
Comment: This variant is considered likely benign or benign based on one or more of the following criteria: it is a conservative change, it occurs at a poorly conserved position in the protein, it is predicted to be benign by multiple in silico algorithms, and/or has population frequency not consistent with disease.